The following is an entry in ClinVar:

NM_000492.4(CFTR):c.4383G>T (p.Lys1461Asn)

Genes: CFTR (CF transmembrane conductance regulator; plus strand), LOC111674477 (CFTR intron 23 enhancer; plus strand). Cytogenetic location: 7q31.2.
Variant type: single nucleotide variant.
Coding change: c.4383G>T on transcript NM_000492.4 (MANE Select); coding-DNA position 4383, G replaced by T.
Protein change: p.Lys1461Asn; replaces lysine 1461 with asparagine.
Molecular consequence: missense variant.
Genome position (GRCh38, 1-based): chr7:117,667,048, G>T. VCF-style: chr7-117667048-G-T. GRCh37 (hg19) VCF-style: chr7-117307102-G-T.
Other names: c.4383G>T (NM_000492.3); short protein forms K1461N.
Identifiers: ClinVar variation 595459 (VCV000595459.9), dbSNP rs1562929623, ClinGen allele CA368985207.

ClinVar aggregate classification (germline): Conflicting classifications of pathogenicity. Review status: criteria provided, conflicting classifications (1 of 4 stars). 3 submissions from 3 submitters: Uncertain significance (2); Likely benign (1). Last evaluated 2025-12-19.

Conditions:
Cystic fibrosis (CF). Also called: MUCOVISCIDOSIS. Identifiers: Orphanet 586, MedGen C0010674, MONDO:0009061, OMIM 219700. Disease mechanism: loss of function.

Allele frequency attached by ClinVar (database versions not stated): gnomAD 0.00001.
gnomAD v4.1: 1 of 1,613,928 alleles (0.000062%); highest among the groups gnomAD compares: Admixed American, 0.0017%; no homozygotes.

Submissions (3):

Labcorp Genetics (formerly Invitae), Labcorp
Classification: Uncertain significance for Cystic fibrosis. Last evaluated: 2025-12-19. Review status: criteria provided, single submitter. Criteria: Invitae Variant Classification Sherloc (09022015). Collection method: clinical testing. Allele origin: germline.
Comment: This sequence change replaces lysine, which is basic and polar, with asparagine, which is neutral and polar, at codon 1461 of the CFTR protein (p.Lys1461Asn). This variant is not present in population databases (gnomAD no frequency). This variant has not been reported in the literature in individuals affected with CFTR-related conditions. ClinVar contains an entry for this variant (Variation ID: 595459). Invitae Evidence Modeling of protein sequence and biophysical properties (such as structural, functional, and spatial information, amino acid conservation, physicochemical variation, residue mobility, and thermodynamic stability) indicates that this missense variant is not expected to disrupt CFTR protein function with a negative predictive value of 95%. In summary, the available evidence is currently insufficient to determine the role of this variant in disease. Therefore, it has been classified as a Variant of Uncertain Significance.

Ambry Genetics
Classification: Likely benign for Cystic fibrosis. Last evaluated: 2025-02-25. Review status: criteria provided, single submitter. Criteria: Ambry Variant Classification Scheme 2023. Collection method: clinical testing. Allele origin: germline.

Eurofins Ntd Llc (ga)
Classification: Uncertain significance. Last evaluated: 2017-12-20. Review status: criteria provided, single submitter. Criteria: EGL Classification Definitions 2015. Collection method: clinical testing. Allele origin: germline. Observed: 1 variant allele, 1 heterozygote.